The following is an entry in ClinVar:

ClinVar aggregate classification (germline): Benign/Likely benign. Review status: criteria provided, multiple submitters, no conflicts (2 of 4 stars). 3 submissions from 3 submitters: Benign (2); Likely benign (1). Last evaluated 2025-07-30.

Conditions:
MYH7B-related disorder. Also called: MYH7B-related condition.

Allele frequency attached by ClinVar (database versions not stated): gnomAD exomes 0.00008 and 0.00019; ExAC 0.00026; 1000 Genomes Project 30x 0.00031; 1000 Genomes Project 0.00060; ESP Exome Variant Server 0.00073; gnomAD 0.00094 and 0.00101; TOPMed 0.00112.
gnomAD v4.1: 269 of 1,613,274 alleles (0.017%); highest among the groups gnomAD compares: African/African-American, 0.32%; 1 homozygote.

Submissions (3):

Labcorp Genetics (formerly Invitae), Labcorp
Classification: Benign. Last evaluated: 2025-07-30. Review status: criteria provided, single submitter. Criteria: Invitae Variant Classification Sherloc (09022015). Collection method: clinical testing. Allele origin: germline.

PreventionGenetics, part of Exact Sciences
Classification: Likely benign for MYH7B-related condition. Last evaluated: 2024-12-10. Review status: criteria provided, single submitter. Criteria: ACMG Guidelines, 2015. Collection method: clinical testing. Allele origin: germline.
Comment: This variant is classified as likely benign based on ACMG/AMP sequence variant interpretation guidelines (Richards et al. 2015 PMID: 25741868, with internal and published modifications).

Breakthrough Genomics
Classification: Benign. Review status: criteria provided, single submitter. Criteria: ACMG Guidelines, 2015. Collection method: not provided. Allele origin: germline. Inheritance: Unknown mechanism. Affected: yes.

NM_020884.7(MYH7B):c.2376G>A (p.Leu792=)

Gene: MYH7B (myosin heavy chain 7B; plus strand). Cytogenetic location: 20q11.22.
Variant type: single nucleotide variant.
Coding change: c.2376G>A on transcript NM_020884.7 (MANE Select); coding-DNA position 2376, G replaced by A.
Protein change: p.Leu792=; no amino-acid change (leucine 792 retained).
Molecular consequence: synonymous variant.
Genome position (GRCh38, 1-based): chr20:34,993,402, G>A. VCF-style: chr20-34993402-G-A. GRCh37 (hg19) VCF-style: chr20-33581205-G-A.
Identifiers: ClinVar variation 709305 (VCV000709305.12), dbSNP rs199627813, ClinGen allele CA9827351.